The following is an entry in ClinVar:

ClinVar aggregate classification (germline): Likely benign. Review status: criteria provided, multiple submitters, no conflicts (2 of 4 stars). 3 submissions from 3 submitters: Likely benign (3). Last evaluated 2025-06-09.

Conditions:
Familial hypercholesterolemia. Also called: Familial hypercholesterolaemia; Familial hypercholesterolemias. Identifiers: MedGen C0020445, MONDO:0005439.
Cardiovascular phenotype. Identifiers: MedGen CN230736.
Familial hypobetalipoproteinemia 1. Also called: Hypobetalipoproteinemia, normotriglyceridemic; Acanthocytosis with hypobetalipoproteinemia; APOB-Related Familial Hypobetalipoproteinemia. Identifiers: MedGen C4551990, MONDO:0014252, OMIM 615558.
Hypercholesterolemia, autosomal dominant, type B (FHCL2). Also called: Familial Hypercholesterolemia Type B; APOLIPOPROTEIN B-100, FAMILIAL DEFECTIVE; APOLIPOPROTEIN B-100, FAMILIAL LIGAND-DEFECTIVE; HYPERCHOLESTEROLEMIA, FAMILIAL, DUE TO LIGAND-DEFECTIVE APOLIPOPROTEIN B; Hyperlipoproteinemia Type IIb; Familial hypercholesterolemia 2. Identifiers: MedGen C1704417, MONDO:0007751, OMIM 144010.

gnomAD v4.1: 2 of 1,613,898 alleles (0.00012%); highest among the groups gnomAD compares: Admixed American, 0.0033%; no homozygotes.

Submissions (3):

GENinCode PLC
Classification: Likely benign for Familial hypercholesterolemia. Last evaluated: 2025-06-09. Review status: criteria provided, single submitter. Criteria: ACMG Guidelines, 2015. Collection method: clinical testing. Allele origin: germline.
Comment: This is a synonymous (silent) variant that is not predicted to impact splicing and occurs at a nucleotide which is not highly conserved. This variant has been classified as Likely Benign (BP4, BP7).

Labcorp Genetics (formerly Invitae), Labcorp
Classification: Likely benign for Familial hypobetalipoproteinemia 1; Hypercholesterolemia, autosomal dominant, type B. Last evaluated: 2024-08-19. Review status: criteria provided, single submitter. Criteria: Invitae Variant Classification Sherloc (09022015). Collection method: clinical testing. Allele origin: germline.

Ambry Genetics
Classification: Likely benign for Cardiovascular phenotype. Last evaluated: 2024-04-26. Review status: criteria provided, single submitter. Criteria: Ambry Variant Classification Scheme 2023. Collection method: clinical testing. Allele origin: germline.

NM_000384.3(APOB):c.11775A>G (p.Glu3925=)

Gene: APOB (apolipoprotein B; minus strand). Cytogenetic location: 2p24.1.
Variant type: single nucleotide variant.
Coding change: c.11775A>G on transcript NM_000384.3 (MANE Select); coding-DNA position 11775, A replaced by G.
Protein change: p.Glu3925=; no amino-acid change (glutamic acid 3925 retained).
Molecular consequence: synonymous variant.
Genome position (GRCh38, 1-based): chr2:21,005,093, T>C on the plus strand (A>G on the coding strand, the complement: APOB is on the minus strand). VCF-style: chr2-21005093-T-C. GRCh37 (hg19) VCF-style: chr2-21227965-T-C.
Identifiers: ClinVar variation 3307804 (VCV003307804.4), dbSNP rs1558560363.